The following is an entry in ClinVar:

ClinVar aggregate classification (germline): Uncertain significance (1 of 4 stars; one submission).

Submission:

Labcorp Genetics (formerly Invitae), Labcorp
Classification: Uncertain significance. Last evaluated: 2025-02-15. Review status: criteria provided, single submitter. Criteria: Invitae Variant Classification Sherloc (09022015). Collection method: clinical testing. Allele origin: germline.
Comment: This sequence change replaces alanine, which is neutral and non-polar, with valine, which is neutral and non-polar, at codon 84 of the POC5 protein (p.Ala84Val). This variant is not present in population databases (gnomAD no frequency). This variant has not been reported in the literature in individuals affected with POC5-related conditions. An algorithm developed to predict the effect of missense changes on protein structure and function (PolyPhen-2) suggests that this variant is likely to be tolerated. In summary, the available evidence is currently insufficient to determine the role of this variant in disease. Therefore, it has been classified as a Variant of Uncertain Significance.

NM_001099271.2(POC5):c.251C>T (p.Ala84Val)

Gene: POC5 (POC5 centriolar protein; minus strand). Cytogenetic location: 5q13.3.
Variant type: single nucleotide variant.
Coding change: c.251C>T on transcript NM_001099271.2 (MANE Select); coding-DNA position 251, C replaced by T.
Protein change: p.Ala84Val; replaces alanine 84 with valine.
Molecular consequence: missense variant.
Genome position (GRCh38, 1-based): chr5:75,705,760, G>A on the plus strand (C>T on the coding strand, the complement: POC5 is on the minus strand). VCF-style: chr5-75705760-G-A. GRCh37 (hg19) VCF-style: chr5-75001585-G-A.
Other names: c.176C>T, p.Ala59Val (NM_152408.3); short protein forms A59V, A84V.
Identifiers: ClinVar variation 4712705 (VCV004712705.1).